The following is an entry in ClinVar:

NM_016239.4(MYO15A):c.5896C>T (p.Arg1966Ter)

Gene: MYO15A (myosin XVA; plus strand). Cytogenetic location: 17p11.2.
Variant type: single nucleotide variant.
Coding change: c.5896C>T on transcript NM_016239.4 (MANE Select); coding-DNA position 5896, C replaced by T.
Protein change: p.Arg1966Ter; replaces arginine 1966 with a stop codon.
Molecular consequence: nonsense.
Genome position (GRCh38, 1-based): chr17:18,142,826, C>T. VCF-style: chr17-18142826-C-T. GRCh37 (hg19) VCF-style: chr17-18046140-C-T.
Other names: short protein forms R1966*.
Identifiers: ClinVar variation 228373 (VCV000228373.8), dbSNP rs765468034, ClinGen allele CA8424429.

ClinVar aggregate classification (germline): Pathogenic. Review status: criteria provided, multiple submitters, no conflicts (2 of 4 stars). 3 submissions from 3 submitters: Pathogenic (3). Last evaluated 2024-05-06.

Conditions:
Rare genetic deafness. Identifiers: Orphanet 96210, MedGen C5680250.
Autosomal recessive nonsyndromic hearing loss 3. Also called: NEUROSENSORY NONSYNDROMIC RECESSIVE DEAFNESS 3. Identifiers: Orphanet 90636, MedGen C1838263, MONDO:0010860, OMIM 600316.

Allele frequency attached by ClinVar (database versions not stated): gnomAD exomes below 0.00001 and 0.00002; ExAC 0.00001; gnomAD 0.00001 and 0.00002; TOPMed 0.00002.
gnomAD v4.1: 30 of 1,612,482 alleles (0.0019%); highest among the groups gnomAD compares: South Asian, 0.0033%; no homozygotes.

Submissions (3):

Labcorp Genetics (formerly Invitae), Labcorp
Classification: Pathogenic. Last evaluated: 2024-05-06. Review status: criteria provided, single submitter. Criteria: Invitae Variant Classification Sherloc (09022015). Collection method: clinical testing. Allele origin: germline.
Comment: This sequence change creates a premature translational stop signal (p.Arg1966*) in the MYO15A gene. It is expected to result in an absent or disrupted protein product. Loss-of-function variants in MYO15A are known to be pathogenic (PMID: 17546645). The frequency data for this variant in the population databases is considered unreliable, as metrics indicate poor data quality at this position in the gnomAD database. This variant has not been reported in the literature in individuals affected with MYO15A-related conditions. ClinVar contains an entry for this variant (Variation ID: 228373). For these reasons, this variant has been classified as Pathogenic.

Fulgent Genetics
Classification: Pathogenic for Autosomal recessive nonsyndromic hearing loss 3. Last evaluated: 2018-10-31. Review status: criteria provided, single submitter. Criteria: ACMG Guidelines, 2015. Collection method: clinical testing. Allele origin: unknown.

Laboratory for Molecular Medicine, Mass General Brigham Personalized Medicine
Classification: Pathogenic for Rare genetic deafness. Last evaluated: 2015-06-08. Review status: criteria provided, single submitter. Criteria: LMM Criteria. Collection method: clinical testing. Allele origin: germline. Observed: 1 variant allele.
Comment: The p.Arg1966X variant in MYO15A has not been previously reported in individuals with hearing loss, but has been identified in 1/53826 European chromosomes by t he Exome Aggregation Consortium (ExAC). Although this variant has been seen in the general population, its frequency is low enou gh to be consistent with a recessive carrier frequency. This nonsense variant le ads to a premature termination codon at position 1966, which is predicted to lea d to a truncated or absent protein. Loss of function of the MYO15A gene is an es tablished disease mechanism in autosomal recessive nonsyndromic hearing loss. In summary, this variant meets our criteria to be classified as pathogenic for non syndromic hearing loss in an autosomal recessive manner (alizedmedicine/lmm), based on the predicted impact of the variant.

Literature cited by the submitters: PubMed 17546645 (cited by Labcorp Genetics (formerly Invitae), Labcorp).